The following is an entry in ClinVar:

NM_000291.4(PGK1):c.364C>G (p.Leu122Val)

Gene: PGK1 (phosphoglycerate kinase 1; plus strand). Cytogenetic location: Xq21.1.
Variant type: single nucleotide variant.
Coding change: c.364C>G on transcript NM_000291.4 (MANE Select); coding-DNA position 364, C replaced by G.
Protein change: p.Leu122Val; replaces leucine 122 with valine.
Molecular consequence: missense variant.
Genome position (GRCh38, 1-based): chrX:78,114,107, C>G. VCF-style: chrX-78114107-C-G. GRCh37 (hg19) VCF-style: chrX-77369604-C-G.
Other names: short protein forms L122V.
Identifiers: ClinVar variation 4685770 (VCV004685770.1).
Genomic context (GRCh38, chrX:78,114,107, plus strand): 5'-CCAGAAGTGGAGAAAGCCTGTGCCAACCCAGCTGCTGGGTCTGTCATCCTGCTGGAGAAC[C>G]TCCGCTTTCATGTGGAGGAAGAAGGGAAGGGAAAAGATGCTTCTGGGAACAAGGTAGGAC-3'
Protein context (NP_000282.1, residues 112-132): AAGSVILLEN[Leu122Val]RFHVEEEGKG

ClinVar aggregate classification (germline): Uncertain significance (1 of 4 stars; one submission).

Conditions:
Glycogen storage disease due to phosphoglycerate kinase 1 deficiency. Also called: PGK1 DEFICIENCY; PHOSPHOGLYCERATE KINASE 1 DEFICIENCY WITH LEVO-DOPA-RESPONSIVE PARKINSONISM. Identifiers: Orphanet 713, MedGen C1970848, MONDO:0010392, OMIM 300653.

Submission:

ARUP Laboratories, Molecular Genetics and Genomics, ARUP Laboratories
Classification: Uncertain significance for Glycogen storage disease due to phosphoglycerate kinase 1 deficiency. Last evaluated: 2025-04-21. Review status: criteria provided, single submitter. Criteria: ARUP Molecular Germline Variant Investigation Process 2024. Collection method: clinical testing. Allele origin: germline.
Comment: The PGK1 c.364C>G; p.Leu122Val variant (rs2078314632), to our knowledge, is not reported in the medical literature or gene specific databases. This variant is also absent from the Genome Aggregation Database (v2.1.1), indicating it is not a common polymorphism. Computational analyses predict that this variant is deleterious (REVEL: 0.71). Due to limited information, the clinical significance of this variant is uncertain at this time.